The following is an entry in ClinVar:

NM_145691.4(ATPAF2):c.627T>G (p.Phe209Leu)

Gene: ATPAF2 (ATP synthase mitochondrial F1 complex assembly factor 2; minus strand). Cytogenetic location: 17p11.2.
Variant type: single nucleotide variant.
Coding change: c.627T>G on transcript NM_145691.4 (MANE Select); coding-DNA position 627, T replaced by G.
Protein change: p.Phe209Leu; replaces phenylalanine 209 with leucine.
Molecular consequence: missense variant.
Genome position (GRCh38, 1-based): chr17:18,021,228, A>C on the plus strand (T>G on the coding strand, the complement: ATPAF2 is on the minus strand). VCF-style: chr17-18021228-A-C. GRCh37 (hg19) VCF-style: chr17-17924542-A-C.
Other names: p.F209L:TTT>TTG; short protein forms F209L.
Identifiers: ClinVar variation 214132 (VCV000214132.3), dbSNP rs863223910, ClinGen allele CA320583.
Genomic context (GRCh38, chr17:18,021,228, plus strand): 5'-TGTCAGGCGCAGGTCAATCAGGCCCAAGGTTAGCACCATGGACTTGAGCTGGGCAGCTAC[A>C]AACTCAATCCCTGCAGGGACACAAGCCAAGTCAGAACCCAAAACAGGGCAGCTGCCACAA-3'
Protein context (NP_663729.1, residues 199-219): YNTWALQGIE[Phe209Leu]VAAQLKSMVL

ClinVar aggregate classification (germline): Conflicting classifications of pathogenicity. Review status: criteria provided, conflicting classifications (1 of 4 stars). 2 submissions from 2 submitters: Uncertain significance (1); Likely benign (1). Last evaluated 2022-07-14.

Allele frequency attached by ClinVar (database versions not stated): gnomAD exomes below 0.00001 and 0.00001; gnomAD 0.00003 and 0.00004; TOPMed 0.00005.
gnomAD v4.1: 25 of 1,613,144 alleles (0.0015%); highest among the groups gnomAD compares: Non-Finnish European, 0.002%; no homozygotes.

Submissions (2):

Ambry Genetics
Classification: Uncertain significance. Last evaluated: 2022-07-14. Review status: criteria provided, single submitter. Criteria: Ambry Variant Classification Scheme 2023. Collection method: clinical testing. Allele origin: germline.

GeneDx
Classification: Likely benign. Last evaluated: 2013-12-17. Review status: criteria provided, single submitter. Criteria: GeneDx Variant Classification (06012015). Collection method: clinical testing. Allele origin: germline. Affected: yes.
Comment: This variant is considered likely benign or benign based on one or more of the following criteria: it is a conservative change, it occurs at a poorly conserved position in the protein, it is predicted to be benign by multiple in silico algorithms, and/or has population frequency not consistent with disease.